The following is an entry in ClinVar:

NC_000015.9:g.(?_48826257)_(48826422_?)dup

Gene: FBN1 (fibrillin 1; minus strand). Cytogenetic location: 15q21.1.
Variant type: Duplication.
Identifiers: ClinVar variation 3243732 (VCV003243732.1).

ClinVar aggregate classification (germline): Uncertain significance (1 of 4 stars; one submission).

Conditions:
Marfan syndrome (MFS). Also called: MARFAN SYNDROME, TYPE I; Marfan syndrome type 1; Marfan's syndrome; Marfan syndrome, classic; FBN1-Related Marfan Syndrome. Identifiers: Orphanet 284963, Orphanet 558, MedGen C0024796, MONDO:0007947, OMIM 154700.
Familial thoracic aortic aneurysm and aortic dissection (TAAD). Also called: Thoracic aortic aneurysms and dissections. Identifiers: Orphanet 91387, MedGen C4707243, MONDO:0019625.

Submission:

Labcorp Genetics (formerly Invitae), Labcorp
Classification: Uncertain significance for Marfan syndrome; Familial thoracic aortic aneurysm and aortic dissection. Last evaluated: 2023-12-13. Review status: criteria provided, single submitter. Criteria: Invitae Variant Classification Sherloc (09022015). Collection method: clinical testing. Allele origin: unknown.
Comment: This variant results in a copy number gain of the genomic region encompassing exon(s) 8 of the FBN1 gene. While the exact position of this variant cannot be determined from the data, sub-genic copy number gains are generally in tandem (PMID: 25640679). This variant is predicted to be in-frame, and likely preserves the integrity of the reading frame. A similar copy number variant has been observed in individual(s) with Marfan syndrome (Invitae). In summary, the available evidence is currently insufficient to determine the role of this variant in disease. Therefore, it has been classified as a Variant of Uncertain Significance.

Literature cited by the submitters: PubMed 25640679.